The following is an entry in ClinVar:

NM_001349338.3(FOXP1):c.1722+4A>G

Gene: FOXP1 (forkhead box P1; minus strand). Cytogenetic location: 3p13.
Variant type: single nucleotide variant.
Coding change: c.1722+4A>G on transcript NM_001349338.3 (MANE Select); 4 bases into the intron after coding-DNA position 1722, A replaced by G.
Molecular consequence: intron variant.
Genome position (GRCh38, 1-based): chr3:70,970,732, T>C on the plus strand (A>G on the coding strand, the complement: FOXP1 is on the minus strand). VCF-style: chr3-70970732-T-C. GRCh37 (hg19) VCF-style: chr3-71019883-T-C.
Other names: c.1770+4A>G (NM_001244810.2); c.1722+4A>G (NM_032682.6, NM_001349340.3, NM_001244816.2 and 1 more transcripts); c.1719+4A>G (NM_001349341.3, NM_001244808.3); c.1494+4A>G (NM_001244812.3); c.1419+4A>G (NM_001349343.3, NM_001349337.2, NM_001370548.1 and 1 more transcripts); c.1422+4A>G (NM_001349342.3, NM_001244815.2, NM_001244813.3).
Identifiers: ClinVar variation 3901161 (VCV003901161.1).

ClinVar aggregate classification (germline): Uncertain significance (1 of 4 stars; one submission).

Conditions:
Intellectual disability-severe speech delay-mild dysmorphism syndrome (IDDLA). Also called: FOXP1 Syndrome; Mental retardation with language impairment and autistic features; Intellectual developmental disorder with language impairment AND with or without autistic features. Identifiers: Orphanet 391372, MedGen C4013764, MONDO:0013352, OMIM 613670.

Submission:

Institute of Human Genetics, University of Leipzig Medical Center
Classification: Uncertain significance for Intellectual disability-severe speech delay-mild dysmorphism syndrome. Last evaluated: 2025-05-08. Review status: criteria provided, single submitter. Criteria: ACMG Guidelines, 2015. Collection method: clinical testing. Allele origin: unknown. Inheritance: Autosomal dominant inheritance. Affected: yes.
Comment: Criteria applied: PS1_MOD,PM2,PP3